The following is an entry in ClinVar:

NM_003238.6(TGFB2):c.589G>T (p.Glu197Ter)

Gene: TGFB2 (transforming growth factor beta 2; plus strand). Cytogenetic location: 1q41.
Variant type: single nucleotide variant.
Coding change: c.589G>T on transcript NM_003238.6 (MANE Select); coding-DNA position 589, G replaced by T.
Protein change: p.Glu197Ter; replaces glutamic acid 197 with a stop codon.
Molecular consequence: nonsense. On other transcripts: non-coding transcript variant (2).
Genome position (GRCh38, 1-based): chr1:218,434,160, G>T. VCF-style: chr1-218434160-G-T. GRCh37 (hg19) VCF-style: chr1-218607502-G-T.
Other names: c.673G>T, p.Glu225Ter (NM_001135599.4); short protein forms E197*, E225*.
Identifiers: ClinVar variation 2151918 (VCV002151918.4), dbSNP rs764028978, ClinGen allele CA344726586.
Genomic context (GRCh38, chr1:218,434,160, plus strand): 5'-TTAACATCTCCAACCCAGCGCTACATCGACAGCAAAGTTGTGAAAACAAGAGCAGAAGGC[G>T]AATGGCTCTCCTTCGATGTAACTGATGCTGTTCATGAATGGCTTCACCATAAAGGTTACA-3'

ClinVar aggregate classification (germline): Pathogenic (1 of 4 stars; one submission).

Conditions:
Loeys-Dietz syndrome 4 (LDS4). Also called: ANEURYSM, AORTIC AND CEREBRAL, WITH ARTERIAL TORTUOSITY AND SKELETAL MANIFESTATIONS; TGFB2-Related Loeys-Dietz Syndrome. Identifiers: MedGen C3553762, MONDO:0013897, OMIM 614816.

Submission:

Labcorp Genetics (formerly Invitae), Labcorp
Classification: Pathogenic for Loeys-Dietz syndrome 4. Last evaluated: 2025-12-15. Review status: criteria provided, single submitter. Criteria: Invitae Variant Classification Sherloc (09022015). Collection method: clinical testing. Allele origin: germline.
Comment: This sequence change creates a premature translational stop signal (p.Glu197*) in the TGFB2 gene. It is expected to result in an absent or disrupted protein product. Loss-of-function variants in TGFB2 are known to be pathogenic (PMID: 22772368, 22772371, 30739908). This variant is not present in population databases (gnomAD no frequency). This premature translational stop signal has been observed in individual(s) with Loeys-Dietz syndrome (PMID: 29392890). This variant is also known as c.673G>T (p.Glu225*). ClinVar contains an entry for this variant (Variation ID: 2151918). For these reasons, this variant has been classified as Pathogenic.

Literature cited by the submitters: PubMed 22772368; PubMed 22772371; PubMed 30739908; PubMed 29392890.